The following is an entry in ClinVar:

ClinVar aggregate classification (germline): Uncertain significance. Review status: criteria provided, multiple submitters, no conflicts (2 of 4 stars). 2 submissions from 2 submitters: Uncertain significance (2). Last evaluated 2025-09-05.

Conditions:
Inborn genetic diseases. Identifiers: MedGen C0950123, MeSH D030342.

Allele frequency attached by ClinVar (database versions not stated): TOPMed below 0.00001; gnomAD 0.00001.
gnomAD v4.1: 1 of 1,613,050 alleles (0.000062%); highest among the groups gnomAD compares: Non-Finnish European, 0.000085%; no homozygotes.

Submissions (2):

Ambry Genetics
Classification: Uncertain significance for Inborn genetic diseases. Last evaluated: 2025-09-05. Review status: criteria provided, single submitter. Criteria: Ambry Variant Classification Scheme 2023. Collection method: clinical testing. Allele origin: germline.
Comment: The c.967A>G (p.S323G) alteration is located in exon 10 (coding exon 9) of the STAG1 gene. This alteration results from an A to G substitution at nucleotide position 967, causing the serine (S) at amino acid position 323 to be replaced by a glycine (G). This variant was not reported in population-based cohorts in the Genome Aggregation Database (gnomAD). This amino acid position is highly conserved in available vertebrate species. This missense alteration is located in a region that has a low rate of benign missense variation (Lek, 2016; Firth, 2009). The in silico prediction for this alteration is inconclusive. Based on insufficient or conflicting evidence, the clinical significance of this alteration remains unclear.

Labcorp Genetics (formerly Invitae), Labcorp
Classification: Uncertain significance. Last evaluated: 2024-12-02. Review status: criteria provided, single submitter. Criteria: Invitae Variant Classification Sherloc (09022015). Collection method: clinical testing. Allele origin: germline.
Comment: This sequence change replaces serine, which is neutral and polar, with glycine, which is neutral and non-polar, at codon 323 of the STAG1 protein (p.Ser323Gly). This variant is not present in population databases (gnomAD no frequency). This variant has not been reported in the literature in individuals affected with STAG1-related conditions. ClinVar contains an entry for this variant (Variation ID: 3170872). Invitae Evidence Modeling of protein sequence and biophysical properties (such as structural, functional, and spatial information, amino acid conservation, physicochemical variation, residue mobility, and thermodynamic stability) has been performed for this missense variant. However, the output from this modeling did not meet the statistical confidence thresholds required to predict the impact of this variant on STAG1 protein function. In summary, the available evidence is currently insufficient to determine the role of this variant in disease. Therefore, it has been classified as a Variant of Uncertain Significance.

NM_005862.3(STAG1):c.967A>G (p.Ser323Gly)

Gene: STAG1 (STAG1 cohesin complex component; minus strand). Cytogenetic location: 3q22.3.
Variant type: single nucleotide variant.
Coding change: c.967A>G on transcript NM_005862.3 (MANE Select); coding-DNA position 967, A replaced by G.
Protein change: p.Ser323Gly; replaces serine 323 with glycine.
Molecular consequence: missense variant.
Genome position (GRCh38, 1-based): chr3:136,477,348, T>C on the plus strand (A>G on the coding strand, the complement: STAG1 is on the minus strand). VCF-style: chr3-136477348-T-C. GRCh37 (hg19) VCF-style: chr3-136196190-T-C.
Other names: short protein forms S323G.
Identifiers: ClinVar variation 3170872 (VCV003170872.4), dbSNP rs1323081483, ClinGen allele CA354652810.
Genomic context (GRCh38, chr3:136,477,348, plus strand): 5'-CCCTGTCATGAAGAGTCCAGCCAACATATTTTAGGTAACTGTCATTTAGGAAGGCATCAC[T>C]ATACATTTTCATCCATACTCCAATTTCTTCAATACAAATGGCTCTAATCTCAGCAATAGC-3'
Protein context (NP_005853.2, residues 313-333): EEIGVWMKMY[Ser323Gly]DAFLNDSYLK